The following is an entry in ClinVar:

ClinVar aggregate classification (germline): Uncertain significance (0 of 4 stars; one submission).

gnomAD v4.1: 10 of 1,611,816 alleles (0.00062%); highest among the groups gnomAD compares: Non-Finnish European, 0.00085%; no homozygotes.

Submission:

Martin Pollak Laboratory,  Beth Israel Deaconess Medical Center
Classification: Uncertain significance. Review status: no assertion criteria provided. Collection method: not provided. Allele origin: unknown.
Comment: Lower UCa2+ group
ClinVar note: Converted during submission from unknown to Uncertain significance.

NM_001177316.2(SLC34A3):c.472C>T (p.Pro158Ser)

Gene: SLC34A3 (solute carrier family 34 member 3; plus strand). Cytogenetic location: 9q34.3.
Variant type: single nucleotide variant.
Coding change: c.472C>T on transcript NM_001177316.2 (MANE Select); coding-DNA position 472, C replaced by T.
Protein change: p.Pro158Ser; replaces proline 158 with serine.
Molecular consequence: missense variant.
Genome position (GRCh38, 1-based): chr9:137,233,027, C>T. VCF-style: chr9-137233027-C-T. GRCh37 (hg19) VCF-style: chr9-140127479-C-T.
Other names: c.472C>T, p.Pro158Ser (NM_001177317.2, NM_080877.3); short protein forms P158S.
Identifiers: ClinVar variation 64502 (VCV000064502.3), dbSNP rs387907510, ClinGen allele CA216289.